The following is an entry in ClinVar:

NM_007294.4(BRCA1):c.731_732delinsCA (p.Asn244Thr)

Gene: BRCA1 (BRCA1 DNA repair associated; minus strand). Cytogenetic location: 17q21.31.
Variant type: Indel.
Coding change: c.731_732delinsCA on transcript NM_007294.4 (MANE Select); coding-DNA positions 731 to 732, AT replaced by CA.
Protein change: p.Asn244Thr; replaces asparagine 244 with threonine.
Molecular consequence: missense variant. On other transcripts: non-coding transcript variant (1).
Genome position (GRCh38, 1-based): chr17:43,094,799-43,094,800, AT replaced by TG on the plus strand (AT replaced by CA on the coding strand, the reverse complement: BRCA1 is on the minus strand). VCF-style: chr17-43094799-AT-TG. GRCh37 (hg19) VCF-style: chr17-41246816-AT-TG.
Other names: c.731_732delATinsCA, p.Asn244Thr (NM_001407620.1, NM_001407970.1, NM_001407623.1 and 53 more transcripts); c.728_729delATinsCA, p.Asn243Thr (NM_001407972.1, NM_001407627.1, NM_001407630.1 and 38 more transcripts); c.518_519delATinsCA, p.Asn173Thr (NM_001407571.1, NM_001407853.1, NM_001407894.1 and 12 more transcripts); c.722_723delATinsCA, p.Asn241Thr (NM_001407646.1, NM_001407647.1, NM_001408408.1); c.608_609delATinsCA, p.Asn203Thr (NM_001407648.1, NM_001407664.1, NM_001407665.1 and 34 more transcripts); c.605_606delATinsCA, p.Asn202Thr (NM_001407649.1, NM_001407670.1, NM_001407671.1 and 20 more transcripts); c.653_654delATinsCA, p.Asn218Thr (NM_001407653.1, NM_001407654.1, NM_001407655.1 and 9 more transcripts); c.650_651delATinsCA, p.Asn217Thr (NM_001407659.1, NM_001407660.1, NM_001407661.1 and 3 more transcripts); and 16 more; short protein forms N197T, N244T, N117T, N132T, N174T, N199T, N202T, N241T.
Identifiers: ClinVar variation 420254 (VCV000420254.17), dbSNP rs1064794375, ClinGen allele CA16620443.

ClinVar aggregate classification (germline): Conflicting classifications of pathogenicity. Review status: criteria provided, conflicting classifications (1 of 4 stars). 5 submissions from 5 submitters: Uncertain significance (4); Likely benign (1). Last evaluated 2023-03-23.

Conditions:
Hereditary cancer-predisposing syndrome. Also called: Hereditary neoplastic syndrome; Tumor predisposition; Neoplastic Syndromes, Hereditary; Hereditary Cancer Syndrome. Identifiers: Orphanet 140162, MedGen C0027672, MeSH D009386, MONDO:0015356.
Hereditary breast ovarian cancer syndrome. Also called: Hereditary breast and ovarian cancer; Hereditary breast and/or ovarian cancer syndrome; Hereditary breast and ovarian cancer syndrome; Hereditary breast and ovarian cancer syndrome (HBOC); Breast and ovarian cancer; BRCA1- and BRCA2-Associated Hereditary Breast and Ovarian Cancer. Identifiers: Orphanet 145, MedGen C0677776, MeSH D061325, MONDO:0003582. Disease mechanism: loss of function.

Submissions (5):

University of Washington Department of Laboratory Medicine, University of Washington
Classification: Likely benign for Hereditary cancer-predisposing syndrome. Last evaluated: 2023-03-23. Review status: criteria provided, single submitter. Criteria: Dines et al. (Genet Med. 2020). Collection method: curation. Allele origin: germline.
Comment: Missense variant in a coldspot region where missense variants are very unlikely to be pathogenic (PMID:31911673).

BRCA1 coldspot (exon 11 using historical exon numbering). Reclassification based on statistical prior probability

Women's Health and Genetics/Laboratory Corporation of America, LabCorp
Classification: Uncertain significance. Last evaluated: 2020-04-03. Review status: criteria provided, single submitter. Criteria: LabCorp Variant Classification Summary - May 2015. Collection method: clinical testing. Allele origin: germline.
Comment: Variant summary: BRCA1 c.731_732delinsCA (p.Asn244Thr) results in a non-conservative amino acid change in the encoded protein sequence. Four of five in-silico tools predict a benign effect of the variant on protein function. The variant was absent in 249970 control chromosomes (gnomAD). The available data on variant occurrences in the general population are insufficient to allow any conclusion about variant significance. To our knowledge, no occurrence of c.731_732delinsCA in individuals affected with Hereditary Breast and Ovarian Cancer and no experimental evidence demonstrating its impact on protein function have been reported. Two clinical diagnostic laboratories have submitted clinical-significance assessments for this variant to ClinVar after 2014 without evidence for independent evaluation and classified the variant as uncertain significance. Based on the evidence outlined above, the variant was classified as uncertain significance.

Labcorp Genetics (formerly Invitae), Labcorp
Classification: Uncertain significance for Hereditary breast ovarian cancer syndrome. Last evaluated: 2019-12-13. Review status: criteria provided, single submitter. Criteria: Invitae Variant Classification Sherloc (09022015). Collection method: clinical testing. Allele origin: germline.
Comment: In summary, the available evidence is currently insufficient to determine the role of this variant in disease. Therefore, it has been classified as a Variant of Uncertain Significance. Algorithms developed to predict the effect of missense changes on protein structure and function are either unavailable or do not agree on the potential impact of this missense change (SIFT: "Not Available"; PolyPhen-2: "Benign"; Align-GVGD: "Class Not Available"). This variant has not been reported in the literature in individuals with BRCA1-related conditions. ClinVar contains an entry for this variant (Variation ID: 420254). This variant is not present in population databases (ExAC no frequency). This sequence change replaces asparagine with threonine at codon 244 of the BRCA1 protein (p.Asn244Thr). The asparagine residue is weakly conserved and there is a small physicochemical difference between asparagine and threonine.

Ambry Genetics
Classification: Uncertain significance for Hereditary cancer-predisposing syndrome. Last evaluated: 2018-06-11. Review status: criteria provided, single submitter. Criteria: Ambry Variant Classification Scheme 2023. Collection method: clinical testing. Allele origin: germline.
Comment: The c.731_732delATinsCA variant (also known as p.N244T), located in coding exon 9 of the BRCA1 gene, results from a deletion of AT and insertion of CA at nucleotide positions 731 to 732. This results in the substitution of the asparagine residue for a threonine residue at codon 244, an amino acid with similar properties. This amino acid position is poorly conserved in available vertebrate species. Since supporting evidence is limited at this time, the clinical significance of this alteration remains unclear.

GeneDx
Classification: Uncertain significance. Last evaluated: 2015-12-07. Review status: criteria provided, single submitter. Criteria: GeneDx Variant Classification (06012015). Collection method: clinical testing. Allele origin: germline. Affected: yes.
Comment: This variant is denoted BRCA1 c.731_732delATinsCA at the cDNA level and p.Asn244Thr (N244T) at the protein level. The normal sequence, with the bases that are deleted in braces and inserted in brackets, is AATA[AT][CA]GATT. This in frame deletion and insertion, also denoted BRCA1 850_851delATinsCA using alternate nomenclature, occurs on the same allele (in cis) and results in the missense change of an Asparagine to a Threonine (AAT>ACA). This variant has not, to our knowledge, been published in the literature as pathogenic or benign. Neither BRCA1 c.731_732delATinsCA nor BRCA1 Asn244Thr (by this or an alternate nucleotide change) was observed in approximately 6,500 individuals of European and African American ancestry in the NHLBI Exome Sequencing Project, indicating it is not a common benign variant in these populations. Since Asparagine and Threonine share similar properties, this is considered a conservative amino acid substitution. BRCA1 Asn244Thr occurs at a position that is not conserved and is located in a region that interacts with multiple proteins (Paul 2014). In silico analyses predict that this variant is unlikely to alter protein structure or function. Based on currently available information, we consider BRCA1 Asn244Thr to be a variant of uncertain significance.